The following continues an entry in ClinVar:

NM_004415.4(DSP):c.3862A>C (p.Lys1288Gln)

Gene: DSP. ClinVar aggregate classification (germline): Conflicting classifications of pathogenicity. Uncertain significance (13); Benign (1); Likely benign (4).

Submissions 10 to 18 of 18:

Ambry Genetics
Classification: Likely benign for Cardiovascular phenotype. Last evaluated: 2021-09-22. Review status: criteria provided, single submitter. Criteria: Ambry Variant Classification Scheme 2023. Collection method: clinical testing. Allele origin: germline.

CHEO Genetics Diagnostic Laboratory, Children's Hospital of Eastern Ontario
Classification: Uncertain significance for Cardiomyopathy. Last evaluated: 2020-08-25. Review status: criteria provided, single submitter. Criteria: ACMG Guidelines, 2015. Collection method: clinical testing. Allele origin: germline.

Laboratory for Molecular Medicine, Mass General Brigham Personalized Medicine
Classification: Uncertain significance. Last evaluated: 2020-07-08. Review status: criteria provided, single submitter. Criteria: LMM Criteria. Collection method: clinical testing. Allele origin: germline. Observed: 2 variant alleles.
Comment: Variant classified as Uncertain Significance - Favor Benign. The p.Lys1288Gln variant in DSP has been identified in 10 of 19942 East Asian alleles in gnomAD (0.05%). 2 of 3 computational predictors predict that the variant is damaging. The residue is well conserved, but the variant amino acid is in two mammals (shrew and Tibetan anteloupe). It has been reported in ClinVar with conflicting interpretations (1 likely benign and 9 uncertain significance). It has been identified in 1 individual with ARVC (Bao 2013 PMID: 24125834), 1 infant with HCM (LMM Data), and one individual with primary electrical disease (Proost 2017 PMID: 28341588). The variant was also identified in another individual with HCM, but this individual harbored an exon 27 deletion in MYBPC3 (Mates 2018 PMID: 29511324).

GeneDx
Classification: Likely benign. Last evaluated: 2020-02-14. Review status: criteria provided, single submitter. Criteria: GeneDx Variant Classification Process June 2021. Collection method: clinical testing. Allele origin: germline. Affected: yes.
Comment: This variant is associated with the following publications: (PMID: 24125834, 28341588, 31402444)

Illumina Laboratory Services, Illumina
Classification: Uncertain significance for Arrhythmogenic cardiomyopathy with wooly hair and keratoderma. Last evaluated: 2018-01-13. Review status: criteria provided, single submitter. Criteria: ICSL Variant Classification Criteria 13 December 2019. Collection method: clinical testing. Allele origin: germline.

Illumina Laboratory Services, Illumina
Classification: Uncertain significance for Lethal acantholytic epidermolysis bullosa. Last evaluated: 2018-01-13. Review status: criteria provided, single submitter. Criteria: ICSL Variant Classification Criteria 13 December 2019. Collection method: clinical testing. Allele origin: germline.

Illumina Laboratory Services, Illumina
Classification: Uncertain significance for Arrhythmogenic right ventricular dysplasia 8. Last evaluated: 2018-01-13. Review status: criteria provided, single submitter. Criteria: ICSL Variant Classification Criteria 13 December 2019. Collection method: clinical testing. Allele origin: germline.

Stanford Center for Inherited Cardiovascular Disease, Stanford University
Classification: Uncertain significance. Last evaluated: 2017-01-09. Review status: criteria provided, single submitter. Criteria: ACMG Guidelines, 2015. Collection method: provider interpretation. Allele origin: germline.

Eurofins Ntd Llc (ga)
Classification: Uncertain significance. Last evaluated: 2015-08-13. Review status: criteria provided, single submitter. Criteria: EGL Classification Definitions 2015. Collection method: clinical testing. Allele origin: germline. Observed: 2 variant alleles, 2 heterozygotes.

Literature cited by the submitters: PubMed 24125834 (cited by 5 submitters); PubMed 28341588 (cited by 4 submitters); PubMed 20524011 (cited by Victorian Clinical Genetics Services, Murdoch Childrens Research Institute); PubMed 29062697 (cited by Victorian Clinical Genetics Services, Murdoch Childrens Research Institute); PubMed 30382575 (cited by Victorian Clinical Genetics Services, Murdoch Childrens Research Institute); PubMed 20525856 (cited by Ambry Genetics); PubMed 27532257 (cited by Ambry Genetics); PubMed 29511324 (cited by Ambry Genetics); PubMed 30847666 (cited by Ambry Genetics); PubMed 31402444 (cited by Ambry Genetics); PubMed 34033898 (cited by Ambry Genetics).